The following is an entry in ClinVar:

ClinVar aggregate classification (germline): Uncertain significance (1 of 4 stars; one submission).

Conditions:
Primary ciliary dyskinesia. Also called: Ciliary dyskinesia. Identifiers: Orphanet 244, MedGen C0008780, MONDO:0016575, HP:0012265.

Allele frequency attached by ClinVar (database versions not stated): TOPMed below 0.00001; gnomAD exomes 0.00002.

Submission:

Labcorp Genetics (formerly Invitae), Labcorp
Classification: Uncertain significance for Primary ciliary dyskinesia. Last evaluated: 2018-01-22. Review status: criteria provided, single submitter. Criteria: Invitae Variant Classification Sherloc (09022015). Collection method: clinical testing. Allele origin: germline.
Comment: In summary, the available evidence is currently insufficient to determine the role of this variant in disease. Therefore, it has been classified as a Variant of Uncertain Significance. Algorithms developed to predict the effect of missense changes on protein structure and function output the following: SIFT: "Tolerated"; Align-GVGD: "Class C0". The aspartic acid amino acid residue is found in multiple mammalian species, suggesting that this missense change does not adversely affect protein function. These predictions have not been confirmed by published functional studies and their clinical significance is uncertain. This variant has not been reported in the literature in individuals with RSPH4A-related disease. This variant is not present in population databases (ExAC no frequency). This sequence change replaces glutamic acid with aspartic acid at codon 709 of the RSPH4A protein (p.Glu709Asp). The glutamic acid residue is moderately conserved and there is a small physicochemical difference between glutamic acid and aspartic acid.

NM_001010892.3(RSPH4A):c.2127A>C (p.Glu709Asp)

Gene: RSPH4A (radial spoke head component 4A; plus strand). Cytogenetic location: 6q22.1.
Variant type: single nucleotide variant.
Coding change: c.2127A>C on transcript NM_001010892.3 (MANE Select); coding-DNA position 2127, A replaced by C.
Protein change: p.Glu709Asp; replaces glutamic acid 709 with aspartic acid.
Molecular consequence: missense variant. On other transcripts: 3 prime UTR variant (1).
Genome position (GRCh38, 1-based): chr6:116,632,417, A>C. VCF-style: chr6-116632417-A-C. GRCh37 (hg19) VCF-style: chr6-116953580-A-C.
Other names: c.*188A>C (NM_001161664.2); short protein forms E709D.
Identifiers: ClinVar variation 580109 (VCV000580109.7), dbSNP rs1215996303, ClinGen allele CA365413613.
Genomic context (GRCh38, chr6:116,632,417, plus strand): 5'-CAGGGCTGCACAAGAAGCAGTTCTACTCGCAGCTGAGAATGAAGAATCTGAGGAAGATGA[A>C]GATGAGGAAGATGATTATGACTAATAAACATAAAATTAGCCTGGTTTTATGTGACACTGA-3'
Protein context (NP_001010892.1, residues 699-716): AAENEESEED[Glu709Asp]DEEDDYD